The following is an entry in ClinVar:

ClinVar aggregate classification (germline): Likely benign (1 of 4 stars; one submission).

Conditions:
Multiple endocrine neoplasia type 2A. Also called: Multiple Endocrine Neoplasia Type 2A (MEN2A); MULTIPLE ENDOCRINE NEOPLASIA, TYPE IIA; PTC SYNDROME; SIPPLE SYNDROME; MEN 2A; MEN-2A syndrome. Identifiers: Orphanet 247698, Orphanet 653, MedGen C0025268, MeSH D018813, MONDO:0008234, OMIM 171400.

Submission:

Myriad Genetics, Inc.
Classification: Likely benign for Multiple endocrine neoplasia type 2A. Last evaluated: 2025-02-26. Review status: criteria provided, single submitter. Criteria: Myriad Autosomal Dominant, Autosomal Recessive and X-Linked Classification Criteria (2023). Collection method: clinical testing. Allele origin: unknown.
Comment: This variant is considered likely benign. This variant is intronic and is not expected to impact mRNA splicing.

NM_020975.6(RET):c.2393-18C>T

Gene: RET (ret proto-oncogene; plus strand). Cytogenetic location: 10q11.21.
Variant type: single nucleotide variant.
Coding change: c.2393-18C>T on transcript NM_020975.6 (MANE Select); 18 bases into the intron before coding-DNA position 2393, C replaced by T.
Molecular consequence: intron variant.
Genome position (GRCh38, 1-based): chr10:43,119,513, C>T. VCF-style: chr10-43119513-C-T. GRCh37 (hg19) VCF-style: chr10-43614961-C-T.
Other names: c.2393-18C>T (NM_020630.7, NM_001406743.1, NM_001406744.1 and 2 more transcripts); c.2258-18C>T (NM_001406765.1, NM_001406763.1); c.1997-18C>T (NM_001406772.1, NM_001406769.1); c.1955-18C>T (NM_001406773.1, NM_001406771.1); c.1496-18C>T (NM_001406782.1, NM_001406780.1, NM_001406779.1 and 1 more transcripts); c.1361-18C>T (NM_001406787.1); c.1376-18C>T (NM_001406785.1); c.2264-18C>T (NM_001406764.1, NM_001406762.1, NM_001406761.1); and 10 more.
Identifiers: ClinVar variation 3904628 (VCV003904628.1).
Genomic context (GRCh38, chr10:43,119,513, plus strand): 5'-GCGGCCTCCCACCCCTGGCTCCTGGAAGACCCAAGCTGCCTGACCCGCACGCCCAGGGCC[C>T]CCTCTCTCCGCCCCCAGGCCCGCTCCTCCTCATCGTGGAGTACGCCAAATACGGCTCCCT-3'